The following is an entry in ClinVar:

NM_020631.6(PLEKHG5):c.2812G>A (p.Gly938Ser)

Gene: PLEKHG5 (pleckstrin homology and RhoGEF domain containing G5; minus strand). Cytogenetic location: 1p36.31.
Variant type: single nucleotide variant.
Coding change: c.2812G>A on transcript NM_020631.6 (MANE Select); coding-DNA position 2812, G replaced by A.
Protein change: p.Gly938Ser; replaces glycine 938 with serine.
Molecular consequence: missense variant. On other transcripts: intron variant (1).
Genome position (GRCh38, 1-based): chr1:6,468,024, C>T on the plus strand (G>A on the coding strand, the complement: PLEKHG5 is on the minus strand). VCF-style: chr1-6468024-C-T. GRCh37 (hg19) VCF-style: chr1-6528084-C-T.
Other names: c.2923G>A, p.Gly975Ser (NM_001042663.3, NM_001265592.2); c.2812G>A, p.Gly938Ser (NM_001042664.2, NM_001042665.2, NM_198681.4); c.3019G>A, p.Gly1007Ser (NM_001265593.2); c.2737+75G>A (NM_001265594.3); short protein forms G938S, G1007S, G975S.
Identifiers: ClinVar variation 968541 (VCV000968541.7), dbSNP rs573883242, ClinGen allele CA17233475.

ClinVar aggregate classification (germline): Uncertain significance (1 of 4 stars; one submission).

Conditions:
Neuronopathy, distal hereditary motor, autosomal recessive 4. Also called: NEUROPATHY, DISTAL HEREDITARY MOTOR, AUTOSOMAL RECESSIVE 4; Autosomal recessive lower motor neuron disease with childhood onset. Identifiers: Orphanet 206580, MedGen C1970211, MONDO:0012608, OMIM 611067.
Charcot-Marie-Tooth disease recessive intermediate C. Also called: CHARCOT-MARIE-TOOTH NEUROPATHY, RECESSIVE INTERMEDIATE C. Identifiers: Orphanet 369867, MedGen C3809309, MONDO:0014154, OMIM 615376.

Allele frequency attached by ClinVar (database versions not stated): gnomAD exomes below 0.00001 and 0.00001; gnomAD 0.00002 and 0.00003; TOPMed 0.00003; 1000 Genomes Project 30x 0.00016; 1000 Genomes Project 0.00020.
gnomAD v4.1: 9 of 1,553,400 alleles (0.00058%); highest among the groups gnomAD compares: South Asian, 0.0023%; no homozygotes.

Submission:

Labcorp Genetics (formerly Invitae), Labcorp
Classification: Uncertain significance for Neuronopathy, distal hereditary motor, autosomal recessive 4; Charcot-Marie-Tooth disease recessive intermediate C. Last evaluated: 2021-08-24. Review status: criteria provided, single submitter. Criteria: Invitae Variant Classification Sherloc (09022015). Collection method: clinical testing. Allele origin: germline.
Comment: This sequence change replaces glycine with serine at codon 938 of the PLEKHG5 protein (p.Gly938Ser). The glycine residue is weakly conserved and there is a small physicochemical difference between glycine and serine. The frequency data for this variant in the population databases is considered unreliable, as metrics indicate insufficient coverage at this position in the ExAC database. This variant has not been reported in the literature in individuals affected with PLEKHG5-related conditions. Algorithms developed to predict the effect of missense changes on protein structure and function (SIFT, PolyPhen-2, Align-GVGD) all suggest that this variant is likely to be tolerated. In summary, the available evidence is currently insufficient to determine the role of this variant in disease. Therefore, it has been classified as a Variant of Uncertain Significance.